The following is an entry in ClinVar:

NM_000359.3(TGM1):c.606dup (p.Gln203fs)

Gene: TGM1 (transglutaminase 1; minus strand). Cytogenetic location: 14q12.
Variant type: Duplication.
Coding change: c.606dup on transcript NM_000359.3 (MANE Select); coding-DNA position 606, one base duplicated (G; older notation c.606dupG).
Protein change: p.Gln203fs; shifts the reading frame from glutamine 203.
Molecular consequence: frameshift variant.
Genome position (GRCh38, 1-based): chr14:24,260,601, C duplicated on the plus strand (G on the coding strand, the reverse complement: TGM1 is on the minus strand); the first of 3 consecutive C bases (chr14:24,260,601-24,260,603); duplicating any one gives the same sequence. VCF-style (leftmost placement, unchanged base first): chr14-24260600-G-GC. GRCh37 (hg19) VCF-style: chr14-24729806-G-GC.
Other names: short protein forms Q203fs.
Identifiers: ClinVar variation 5015749 (VCV005015749.1).

ClinVar aggregate classification (germline): Pathogenic (1 of 4 stars; one submission).

Conditions:
Autosomal recessive congenital ichthyosis 1 (LI1). Also called: COLLODION FETUS; DESQUAMATION OF NEWBORN; ICHTHYOSIS CONGENITA; ICHTHYOSIS CONGENITA II; LAMELLAR EXFOLIATION OF NEWBORN; ICHTHYOSIS, CONGENITAL, AUTOSOMAL RECESSIVE 1, WITH BATHING SUIT DISTRIBUTION. Identifiers: MedGen C4551630, MONDO:0009441, OMIM 242300.

Submission:

Myriad Genetics, Inc.
Classification: Pathogenic for Autosomal recessive congenital ichthyosis 1. Last evaluated: 2026-03-30. Review status: criteria provided, single submitter. Criteria: Myriad Autosomal Dominant, Autosomal Recessive and X-Linked Classification Criteria (2023). Collection method: clinical testing. Allele origin: unknown.
Comment: NM_000359.2(TGM1):c.606dupG(Q203Afs*36) is expected to be pathogenic in the context of TGM1-related autosomal recessive congenital ichthyosis. This variant is predicted to lead to an abnormal or absent protein product due to the creation of a premature termination codon in TGM1, a gene where loss-of-function variants are known to be pathogenic. Please note: this variant was assessed in the context of healthy population screening.